The following is an entry in ClinVar:

ClinVar aggregate classification (germline): Conflicting classifications of pathogenicity. Review status: criteria provided, conflicting classifications (1 of 4 stars). 2 submissions from 2 submitters: Uncertain significance (1); Likely benign (1). Last evaluated 2026-02-18.

Allele frequency attached by ClinVar (database versions not stated): gnomAD 0.00001.

Submissions (2):

GeneDx
Classification: Uncertain significance. Last evaluated: 2026-02-18. Review status: criteria provided, single submitter. Criteria: GeneDx Variant Classification Process June 2021. Collection method: clinical testing. Allele origin: germline.
Comment: Described as a variant of uncertain significance in an individual from a cohort of patients with COQ8A-ataxia (PMID: 32337771); Not observed at significant frequency in large population cohorts (gnomAD); In silico analysis suggests that this variant does not alter splicing; This variant is associated with the following publications: (PMID: 32337771)

Labcorp Genetics (formerly Invitae), Labcorp
Classification: Likely benign. Last evaluated: 2022-03-21. Review status: criteria provided, single submitter. Criteria: Invitae Variant Classification Sherloc (09022015). Collection method: clinical testing. Allele origin: germline.

NM_020247.5(COQ8A):c.1821C>T (p.Tyr607=)

Gene: COQ8A (coenzyme Q8A; plus strand). Cytogenetic location: 1q42.13.
Variant type: single nucleotide variant.
Coding change: c.1821C>T on transcript NM_020247.5 (MANE Select); coding-DNA position 1821, C replaced by T.
Protein change: p.Tyr607=; no amino-acid change (tyrosine 607 retained).
Molecular consequence: synonymous variant.
Genome position (GRCh38, 1-based): chr1:226,986,614, C>T. VCF-style: chr1-226986614-C-T. GRCh37 (hg19) VCF-style: chr1-227174315-C-T.
Identifiers: ClinVar variation 739970 (VCV000739970.8), dbSNP rs201618750, ClinGen allele CA1425681.
Genomic context (GRCh38, chr1:226,986,614, plus strand): 5'-CCACAACCTGATTCCCGTCATGCTGAGGCACCGTCTCGTCCCCCCACCCGAGGAAACCTA[C>T]TCCCTGCACAGGAAGATGGGGGGCTCCTTCCTCATCTGCTCCAAGCTGAAGGCCCGCTTC-3'
Protein context (NP_064632.2, residues 597-617): HRLVPPPEET[Tyr607=]SLHRKMGGSF